The following is an entry in ClinVar:

ClinVar aggregate classification (germline): Uncertain significance (1 of 4 stars; one submission).

Allele frequency attached by ClinVar (database versions not stated): TOPMed 0.00002.
gnomAD v4.1: 28 of 1,578,294 alleles (0.0018%); highest among the groups gnomAD compares: East Asian, 0.0091%; no homozygotes.

Submission:

Labcorp Genetics (formerly Invitae), Labcorp
Classification: Uncertain significance. Last evaluated: 2025-09-15. Review status: criteria provided, single submitter. Criteria: Invitae Variant Classification Sherloc (09022015). Collection method: clinical testing. Allele origin: germline.
Comment: This sequence change replaces arginine, which is basic and polar, with leucine, which is neutral and non-polar, at codon 258 of the CYP51A1 protein (p.Arg258Leu). This variant is present in population databases (rs765961879, gnomAD 0.01%). This variant has not been reported in the literature in individuals affected with CYP51A1-related conditions. ClinVar contains an entry for this variant (Variation ID: 2416376). An algorithm developed to predict the effect of missense changes on protein structure and function (PolyPhen-2) suggests that this variant is likely to be tolerated. In summary, the available evidence is currently insufficient to determine the role of this variant in disease. Therefore, it has been classified as a Variant of Uncertain Significance.

NM_000786.4(CYP51A1):c.773G>T (p.Arg258Leu)

Gene: CYP51A1 (cytochrome P450 family 51 subfamily A member 1; minus strand). Cytogenetic location: 7q21.2.
Variant type: single nucleotide variant.
Coding change: c.773G>T on transcript NM_000786.4 (MANE Select); coding-DNA position 773, G replaced by T.
Protein change: p.Arg258Leu; replaces arginine 258 with leucine.
Molecular consequence: missense variant.
Genome position (GRCh38, 1-based): chr7:92,123,851, C>A on the plus strand (G>T on the coding strand, the complement: CYP51A1 is on the minus strand). VCF-style: chr7-92123851-C-A. GRCh37 (hg19) VCF-style: chr7-91753165-C-A.
Other names: c.458G>T, p.Arg153Leu (NM_001146152.2); short protein forms R153L, R258L.
Identifiers: ClinVar variation 2416376 (VCV002416376.5), dbSNP rs765961879, ClinGen allele CA4338480.